The following is an entry in ClinVar:

NM_002185.5(IL7R):c.508C>T (p.Arg170Cys)

Gene: IL7R (interleukin 7 receptor; plus strand). Cytogenetic location: 5p13.2.
Variant type: single nucleotide variant.
Coding change: c.508C>T on transcript NM_002185.5 (MANE Select); coding-DNA position 508, C replaced by T.
Protein change: p.Arg170Cys; replaces arginine 170 with cysteine.
Molecular consequence: missense variant. On other transcripts: non-coding transcript variant (1).
Genome position (GRCh38, 1-based): chr5:35,871,184, C>T. VCF-style: chr5-35871184-C-T. GRCh37 (hg19) VCF-style: chr5-35871286-C-T.
Other names: short protein forms R170C.
Identifiers: ClinVar variation 1445947 (VCV001445947.4), dbSNP rs145210284, ClinGen allele CA3231988.

ClinVar aggregate classification (germline): Uncertain significance. Review status: criteria provided, multiple submitters, no conflicts (2 of 4 stars). 2 submissions from 2 submitters: Uncertain significance (2). Last evaluated 2022-05-08.

Conditions:
Immunodeficiency 104. Also called: SCID, AUTOSOMAL RECESSIVE, T CELL-NEGATIVE, B CELL-POSITIVE, NK CELL-POSITIVE; IMMUNODEFICIENCY 104, SEVERE COMBINED; Severe Combined Immune Deficiency, Autosomal Recessive, TCell -Negative, B Cell-Positive, NK Cell-Positive, IL7R-Related; Severe combined immunodeficiency, autosomal recessive, T cell-negative, B cell-positive, NK cell-positive. Identifiers: MedGen C5676890, MONDO:0012163, OMIM 608971.

Allele frequency attached by ClinVar (database versions not stated): ExAC 0.00002; gnomAD exomes 0.00004; gnomAD 0.00006; TOPMed 0.00007; ESP Exome Variant Server 0.00008.

Submissions (2):

Labcorp Genetics (formerly Invitae), Labcorp
Classification: Uncertain significance for Immunodeficiency 104. Last evaluated: 2022-05-08. Review status: criteria provided, single submitter. Criteria: Invitae Variant Classification Sherloc (09022015). Collection method: clinical testing. Allele origin: germline.
Comment: This sequence change replaces arginine, which is basic and polar, with cysteine, which is neutral and slightly polar, at codon 170 of the IL7R protein (p.Arg170Cys). This variant is present in population databases (rs145210284, gnomAD 0.01%). This variant has not been reported in the literature in individuals affected with IL7R-related conditions. Algorithms developed to predict the effect of missense changes on protein structure and function output the following: SIFT: "Deleterious"; PolyPhen-2: "Benign"; Align-GVGD: "Class C65". The cysteine amino acid residue is found in multiple mammalian species, which suggests that this missense change does not adversely affect protein function. In summary, the available evidence is currently insufficient to determine the role of this variant in disease. Therefore, it has been classified as a Variant of Uncertain Significance.

Fulgent Genetics
Classification: Uncertain significance for Immunodeficiency 104. Last evaluated: 2022-04-14. Review status: criteria provided, single submitter. Criteria: ACMG Guidelines, 2015. Collection method: clinical testing. Allele origin: unknown.